The following is an entry in ClinVar:

ClinVar aggregate classification (germline): Benign/Likely benign. Review status: criteria provided, multiple submitters, no conflicts (2 of 4 stars). 4 submissions from 4 submitters: Benign (1); Likely benign (3). Last evaluated 2026-02-01.

Conditions:
Inborn genetic diseases. Identifiers: MedGen C0950123, MeSH D030342.

Allele frequency attached by ClinVar (database versions not stated): ExAC below 0.00001; gnomAD 0.00094 and 0.00113; TOPMed 0.00129.

Submissions (4):

CeGaT Center for Human Genetics Tuebingen
Classification: Likely benign. Last evaluated: 2026-02-01. Review status: criteria provided, single submitter. Criteria: CeGaT Center For Human Genetics Tuebingen Variant Classification Criteria Version 2. Collection method: clinical testing. Allele origin: germline. Affected: yes. Observed: 8 variant alleles.
Comment: SHANK3: BP4, BP7, BS1

Blueprint Genetics
Classification: Likely benign. Last evaluated: 2024-11-18. Review status: criteria provided, single submitter. Criteria: ACMG Guidelines, 2015. Collection method: clinical testing. Allele origin: germline.

GeneDx
Classification: Benign. Last evaluated: 2020-04-24. Review status: criteria provided, single submitter. Criteria: GeneDx Variant Classification Process June 2021. Collection method: clinical testing. Allele origin: germline. Affected: yes.

Ambry Genetics
Classification: Likely benign for Inborn genetic diseases. Last evaluated: 2016-08-18. Review status: criteria provided, single submitter. Criteria: Ambry Variant Classification Scheme 2023. Collection method: clinical testing. Allele origin: germline.

NM_001372044.2(SHANK3):c.3114G>C (p.Ala1038=)

Gene: SHANK3 (SH3 and multiple ankyrin repeat domains 3; plus strand). Cytogenetic location: 22q13.33.
Variant type: single nucleotide variant.
Coding change: c.3114G>C on transcript NM_001372044.2 (MANE Select); coding-DNA position 3114, G replaced by C.
Protein change: p.Ala1038=; no amino-acid change (alanine 1038 retained).
Molecular consequence: synonymous variant.
Genome position (GRCh38, 1-based): chr22:50,720,722, G>C. VCF-style: chr22-50720722-G-C. GRCh37 (hg19) VCF-style: chr22-51159150-G-C.
Other names: c.2889G>C, p.Ala963= (NM_033517.1).
Identifiers: ClinVar variation 588063 (VCV000588063.37), dbSNP rs772152761, ClinGen allele CA10325936.